The following is an entry in ClinVar:

NM_000535.7(PMS2):c.1634_1635del (p.Ser545fs)

Gene: PMS2 (PMS1 homolog 2, mismatch repair system component; minus strand). Cytogenetic location: 7p22.1.
Variant type: Microsatellite.
Coding change: c.1634_1635del on transcript NM_000535.7 (MANE Select); coding-DNA positions 1634 to 1635, 2 bases deleted (CT; older notation c.1634_1635delCT).
Protein change: p.Ser545fs; shifts the reading frame from serine 545.
Molecular consequence: frameshift variant. On other transcripts: non-coding transcript variant (1).
Genome position (GRCh38, 1-based): chr7:5,987,130-5,987,131, AG deleted on the plus strand (CT on the coding strand, the reverse complement: PMS2 is on the minus strand); deleting any 2 consecutive bases within chr7:5,987,130-5,987,133 gives the same sequence; the c. name uses the placement nearest the transcript's 3' end. VCF-style (leftmost placement, unchanged base first): chr7-5987129-AAG-A. GRCh37 (hg19) VCF-style: chr7-6026760-AAG-A.
Other names: c.1229_1230del, p.Ser410fs (NM_001322003.2, NM_001322004.2, NM_001322005.2 and 1 more transcripts); c.1478_1479del, p.Ser493fs (NM_001322006.2); c.1316_1317del, p.Ser439fs (NM_001322007.2, NM_001322008.2); c.1073_1074del, p.Ser358fs (NM_001322010.2); c.701_702del, p.Ser234fs (NM_001322011.2, NM_001322012.2); c.1061_1062del, p.Ser354fs (NM_001322013.2); c.1634_1635del, p.Ser545fs (NM_001322014.2); c.1325_1326del, p.Ser442fs (NM_001322015.2); short protein forms S358fs, S493fs, S545fs, S234fs, S354fs, S442fs, S410fs, S439fs.
Identifiers: ClinVar variation 496032 (VCV000496032.6), dbSNP rs753256070, ClinGen allele CA044786.

ClinVar aggregate classification (germline): Pathogenic/Likely pathogenic. Review status: criteria provided, multiple submitters, no conflicts (2 of 4 stars). 4 submissions from 4 submitters: Pathogenic (3); Likely pathogenic (1). Last evaluated 2025-10-31.

Conditions:
Hereditary cancer-predisposing syndrome. Also called: Tumor predisposition; Neoplastic Syndromes, Hereditary; Hereditary neoplastic syndrome; Hereditary Cancer Syndrome. Identifiers: Orphanet 140162, MedGen C0027672, MeSH D009386, MONDO:0015356.
Hereditary nonpolyposis colorectal neoplasms. Identifiers: MedGen C0009405, MeSH D003123.
Lynch syndrome. Identifiers: Orphanet 144, MedGen C4552100, MONDO:0005835. Disease mechanism: loss of function.
Lynch syndrome 4 (LYNCH4). Also called: Colorectal cancer, hereditary nonpolyposis, type 4; Hereditary non-polyposis colorectal cancer, type 4. Identifiers: Orphanet 144, MedGen C1838333, MONDO:0013699, OMIM 614337. Disease mechanism: loss of function.

Submissions (4):

Ambry Genetics
Classification: Pathogenic for Hereditary cancer-predisposing syndrome. Last evaluated: 2025-10-31. Review status: criteria provided, single submitter. Criteria: Ambry Variant Classification Scheme 2023. Collection method: clinical testing. Allele origin: germline.
Comment: The c.1634_1635delCT pathogenic mutation, located in coding exon 11 of the PMS2 gene, results from a deletion of two nucleotides at nucleotide positions 1634 to 1635, causing a translational frameshift with a predicted alternate stop codon (p.S545Ffs*16). This variant is considered to be rare based on population cohorts in the Genome Aggregation Database (gnomAD). This alteration is expected to result in loss of function by premature protein truncation or nonsense-mediated mRNA decay. As such, this alteration is interpreted as a disease-causing mutation.

Myriad Genetics, Inc.
Classification: Pathogenic for Lynch syndrome 4. Last evaluated: 2025-09-17. Review status: criteria provided, single submitter. Criteria: Myriad Autosomal Dominant, Autosomal Recessive and X-Linked Classification Criteria (2023). Collection method: clinical testing. Allele origin: unknown.
Comment: This variant is considered pathogenic. This variant creates a frameshift predicted to result in premature protein truncation.

Labcorp Genetics (formerly Invitae), Labcorp
Classification: Pathogenic for Hereditary nonpolyposis colorectal neoplasms. Last evaluated: 2024-05-26. Review status: criteria provided, single submitter. Criteria: Invitae Variant Classification Sherloc (09022015). Collection method: clinical testing. Allele origin: germline.
Comment: This sequence change creates a premature translational stop signal (p.Ser545Phefs*16) in the PMS2 gene. It is expected to result in an absent or disrupted protein product. Loss-of-function variants in PMS2 are known to be pathogenic (PMID: 21376568, 24362816). This variant is not present in population databases (gnomAD no frequency). This variant has not been reported in the literature in individuals affected with PMS2-related conditions. ClinVar contains an entry for this variant (Variation ID: 496032). For these reasons, this variant has been classified as Pathogenic.

Women's Health and Genetics/Laboratory Corporation of America, LabCorp
Classification: Likely pathogenic for Hereditary nonpolyposis colon cancer. Last evaluated: 2017-08-21. Review status: criteria provided, single submitter. Criteria: LabCorp Variant Classification Summary - May 2015. Collection method: clinical testing. Allele origin: germline.
Comment: Variant summary: The c.1634_1635delCT (p.Ser545Phefs) variant in PMS2 gene is a frameshift change that results in the loss of the ~303 amino acids of PMS2 protein (~35%). This change is predicted to cause loss of normal protein function through protein truncation or nonsense-mediated mRNA decay. The variant is absent from the large control population datasets of ExAC and gnomAD (120412 and 245704 chrs tested, respectively). The c.1634_1635delCT has not, to our knowledge, been reported in affected individuals via published reports or cited by reputable databases/clinical laboratories. Other truncated variants, such as c. 1768delA and c. c.1874delT, have been reported in association with LS. Taking together, the variant was classified as Likely Pathogenic.

Literature cited by the submitters: PubMed 21376568 (cited by Labcorp Genetics (formerly Invitae), Labcorp); PubMed 24362816 (cited by Labcorp Genetics (formerly Invitae), Labcorp).